The following is an entry in ClinVar:

NM_018052.5(VAC14):c.2186+825G>A

Gene: VAC14 (VAC14 component of PIKFYVE complex; minus strand). Cytogenetic location: 16q22.1.
Variant type: single nucleotide variant.
Coding change: c.2186+825G>A on transcript NM_018052.5 (MANE Select); 825 bases into the intron after coding-DNA position 2186, G replaced by A.
Molecular consequence: intron variant.
Genome position (GRCh38, 1-based): chr16:70,691,996, C>T on the plus strand (G>A on the coding strand, the complement: VAC14 is on the minus strand). VCF-style: chr16-70691996-C-T. GRCh37 (hg19) VCF-style: chr16-70725899-C-T.
Other names: c.1484+825G>A (NM_001351157.2).
Identifiers: ClinVar variation 2646686 (VCV002646686.24), dbSNP rs117825743, ClinGen allele CA283477710.
Genomic context (GRCh38, chr16:70,691,996, plus strand): 5'-AGTGGCTCTAACAGCCTGGGAGGGAATTCTAGACACACAGGGCATCTGATGCAAGCTGGG[C>T]GCGCTCCATTCAGCGTAAATCTTCTCAGTGGCTCTGCTGGTTTCCATGGCGACCTGACAA-3'

ClinVar aggregate classification (germline): Likely benign (1 of 4 stars; one submission).

Allele frequency attached by ClinVar (database versions not stated): gnomAD 0.00417; gnomAD exomes 0.00424; 1000 Genomes Project 0.00479; 1000 Genomes Project 30x 0.00547.
gnomAD v4.1: 4,215 of 984,970 alleles (0.43%); highest among the groups gnomAD compares: Middle Eastern, 2.4%; 8 homozygotes.

Submission:

CeGaT Center for Human Genetics Tuebingen
Classification: Likely benign. Last evaluated: 2023-06-01. Review status: criteria provided, single submitter. Criteria: CeGaT Center For Human Genetics Tuebingen Variant Classification Criteria Version 2. Collection method: clinical testing. Allele origin: germline. Affected: yes. Observed: 5 variant alleles.
Comment: VAC14: BS1